The following is an entry in ClinVar:

NM_000222.3(KIT):c.2186C>T (p.Ser729Phe)

Gene: KIT (KIT proto-oncogene, receptor tyrosine kinase; plus strand). Cytogenetic location: 4q12.
Variant type: single nucleotide variant.
Coding change: c.2186C>T on transcript NM_000222.3 (MANE Select); coding-DNA position 2186, C replaced by T.
Protein change: p.Ser729Phe; replaces serine 729 with phenylalanine.
Molecular consequence: missense variant.
Genome position (GRCh38, 1-based): chr4:54,731,372, C>T. VCF-style: chr4-54731372-C-T. GRCh37 (hg19) VCF-style: chr4-55597538-C-T.
Other names: c.2177C>T, p.Ser726Phe (NM_001385288.1); c.2186C>T, p.Ser729Phe (NM_001385290.1); c.2183C>T, p.Ser728Phe (NM_001385285.1); c.2171C>T, p.Ser724Phe (NM_001385286.1); c.2174C>T, p.Ser725Phe (NM_001093772.2, NM_001385292.1); c.2189C>T, p.Ser730Phe (NM_001385284.1); short protein forms S725F, S728F, S724F, S726F, S729F, S730F.
Identifiers: ClinVar variation 3534707 (VCV003534707.1).

ClinVar aggregate classification (germline): Uncertain significance (1 of 4 stars; one submission).

Conditions:
Hereditary cancer-predisposing syndrome. Also called: Hereditary Cancer Syndrome; Hereditary neoplastic syndrome; Tumor predisposition; Neoplastic Syndromes, Hereditary. Identifiers: Orphanet 140162, MedGen C0027672, MeSH D009386, MONDO:0015356.

Submission:

Ambry Genetics
Classification: Uncertain significance for Hereditary cancer-predisposing syndrome. Last evaluated: 2024-09-01. Review status: criteria provided, single submitter. Criteria: Ambry Variant Classification Scheme 2023. Collection method: clinical testing. Allele origin: germline.
Comment: The p.S729F variant (also known as c.2186C>T), located in coding exon 15 of the KIT gene, results from a C to T substitution at nucleotide position 2186. The serine at codon 729 is replaced by phenylalanine, an amino acid with highly dissimilar properties. This amino acid position is conserved. In addition, the in silico prediction for this alteration is inconclusive. Based on the available evidence, the clinical significance of this variant remains unclear.